The following is an entry in ClinVar:

ClinVar aggregate classification (germline): Pathogenic (1 of 4 stars; one submission).

Conditions:
Oculocutaneous albinism type 1. Also called: Albinism 1; ALBINISM I. Identifiers: Orphanet 352731, MedGen C0268494, MONDO:0018135. Disease mechanism: loss of function.

Submission:

Myriad Genetics, Inc.
Classification: Pathogenic for Oculocutaneous albinism type 1. Last evaluated: 2026-09-01. Review status: criteria provided, single submitter. Criteria: Myriad Autosomal Dominant, Autosomal Recessive and X-Linked Classification Criteria (2023). Collection method: clinical testing. Allele origin: unknown.
Comment: NM_000372.4(TYR):c.1256dupG(H420Tfs*2) is a frameshift variant classified as pathogenic in the context of oculocutaneous albinism, TYR-related. H420Tfs*2 has not been observed in cases with relevant disease. Relevant functional assessments of this variant are not available in the literature. H420Tfs*2 has not been observed in referenced population frequency databases. In summary, NM_000372.4(TYR):c.1256dupG(H420Tfs*2) is a frameshift variant in a gene where loss of function is a known mechanism of disease and is predicted to disrupt protein function. Please note: this variant was assessed in the context of healthy population screening.

NM_000372.5(TYR):c.1256dup (p.His420fs)

Gene: TYR (tyrosinase; plus strand). Cytogenetic location: 11q14.3.
Variant type: Duplication.
Coding change: c.1256dup on transcript NM_000372.5 (MANE Select); coding-DNA position 1256, one base duplicated (G; older notation c.1256dupG).
Protein change: p.His420fs; shifts the reading frame from histidine 420.
Molecular consequence: frameshift variant.
Genome position (GRCh38, 1-based): chr11:89,284,844, G duplicated; the last of 2 consecutive G bases (chr11:89,284,843-89,284,844); duplicating either gives the same sequence. VCF-style (leftmost placement, unchanged base first): chr11-89284842-T-TG. GRCh37 (hg19) VCF-style: chr11-89018010-T-TG.
Other names: short protein forms H420fs.
Identifiers: ClinVar variation 5004883 (VCV005004883.1).